The following is an entry in ClinVar:

ClinVar aggregate classification (germline): Uncertain significance. Review status: criteria provided, multiple submitters, no conflicts (2 of 4 stars). 5 submissions from 5 submitters: Uncertain significance (5). Last evaluated 2025-01-08.

Conditions:
Progressive sclerosing poliodystrophy (MTDPS4A). Also called: Alpers-Huttenlocher Syndrome (AHS); NEURONAL DEGENERATION OF CHILDHOOD WITH LIVER DISEASE, PROGRESSIVE; ALPERS DIFFUSE DEGENERATION OF CEREBRAL GRAY MATTER WITH HEPATIC CIRRHOSIS; Alpers-Huttenlocher Syndrome; Mitochondrial DNA depletion syndrome 4A (Alpers type); Alpers Syndrome. Identifiers: Orphanet 726, MedGen C0205710, MONDO:0008758, OMIM 203700.
Inborn genetic diseases. Identifiers: MedGen C0950123, MeSH D030342.
Mitochondrial DNA depletion syndrome 1. Also called: Mitochondrial neurogastrointestinal encephalomyopathy syndrome; Mitochondrial Neurogastrointestinal Encephalopathy Disease; MITOCHONDRIAL NEUROGASTROINTESTINAL ENCEPHALOPATHY SYNDROME, TYMP-RELATED; MNGIE, TYMP-RELATED; Mitochondrial DNA depletion syndrome 1 (MNGIE type); Mitochondrial DNA Depletion Syndrome, MNGIE Form. Identifiers: Orphanet 298, MedGen C4551995, MONDO:0011283, OMIM 603041.
Mitochondrial DNA depletion syndrome 4b. Also called: Mitochondrial Neurogastrointestinal Encephalopathy Disease, POLG-Related; MNGIE, POLG-RELATED. Identifiers: Orphanet 298, MedGen C3150914, MONDO:0013350, OMIM 613662.
Progressive external ophthalmoplegia with mitochondrial DNA deletions, autosomal dominant 1 (PEOA1). Also called: PROGRESSIVE EXTERNAL OPHTHALMOPLEGIA, AUTOSOMAL DOMINANT 1; Autosomal Dominant Progressive External Ophthalmoplegia (adPEO). Identifiers: MedGen C1834846, MONDO:0024528, OMIM 157640.
Progressive external ophthalmoplegia with mitochondrial DNA deletions, autosomal recessive 1 (PEOB1). Also called: Autosomal Recessive Progressive External Ophthalmoplegia (arPEO); Progressive external ophthalmoplegia, autosomal recessive 1. Identifiers: Orphanet 254886, MedGen C4225153, MONDO:0009783, OMIM 258450.
Sensory ataxic neuropathy, dysarthria, and ophthalmoparesis (SANDO). Also called: Epilepsy, progressive myoclonic, type 5; Sensory ataxic neuropathy-dysarthria-ophthalmoparesis syndrome; SENSORY ATAXIC NEUROPATHY WITH MITOCHONDRIAL DNA DELETIONS, AUTOSOMAL RECESSIVE; Ataxia Neuropathy Spectrum (ANS). Identifiers: Orphanet 70595, MedGen C1843851, MONDO:0011835, OMIM 607459.

Allele frequency attached by ClinVar (database versions not stated): gnomAD 0.00001 and 0.00002; ExAC 0.00004; gnomAD exomes 0.00005; TOPMed 0.00005; ESP Exome Variant Server 0.00008; 1000 Genomes Project 30x 0.00016; 1000 Genomes Project 0.00020.
gnomAD v4.1: 43 of 1,614,028 alleles (0.0027%); highest among the groups gnomAD compares: South Asian, 0.011%; no homozygotes.

Submissions (5):

Labcorp Genetics (formerly Invitae), Labcorp
Classification: Uncertain significance for Progressive sclerosing poliodystrophy. Last evaluated: 2025-01-08. Review status: criteria provided, single submitter. Criteria: Invitae Variant Classification Sherloc (09022015). Collection method: clinical testing. Allele origin: germline.
Comment: This sequence change replaces arginine, which is basic and polar, with cysteine, which is neutral and slightly polar, at codon 1148 of the POLG protein (p.Arg1148Cys). This variant is present in population databases (rs149099318, gnomAD 0.02%). This missense change has been observed in individual(s) with clinical features of POLG-related conditions (PMID: 33469851). ClinVar contains an entry for this variant (Variation ID: 458715). Invitae Evidence Modeling of protein sequence and biophysical properties (such as structural, functional, and spatial information, amino acid conservation, physicochemical variation, residue mobility, and thermodynamic stability) indicates that this missense variant is expected to disrupt POLG protein function with a positive predictive value of 95%. In summary, the available evidence is currently insufficient to determine the role of this variant in disease. Therefore, it has been classified as a Variant of Uncertain Significance.

CeGaT Center for Human Genetics Tuebingen
Classification: Uncertain significance. Last evaluated: 2023-09-01. Review status: criteria provided, single submitter. Criteria: CeGaT Center For Human Genetics Tuebingen Variant Classification Criteria Version 2. Collection method: clinical testing. Allele origin: germline. Affected: yes. Observed: 1 variant allele.
Comment: POLG: PM2, PP3

Fulgent Genetics
Classification: Uncertain significance for Progressive external ophthalmoplegia with mitochondrial DNA deletions, autosomal dominant 1; Progressive sclerosing poliodystrophy; Progressive external ophthalmoplegia with mitochondrial DNA deletions, autosomal recessive 1; Mitochondrial DNA depletion syndrome 1; Sensory ataxic neuropathy, dysarthria, and ophthalmoparesis; Mitochondrial DNA depletion syndrome 4b. Last evaluated: 2021-09-24. Review status: criteria provided, single submitter. Criteria: ACMG Guidelines, 2015. Collection method: clinical testing. Allele origin: unknown.

GeneDx
Classification: Uncertain significance. Last evaluated: 2020-12-30. Review status: criteria provided, single submitter. Criteria: GeneDx Variant Classification Process June 2021. Collection method: clinical testing. Allele origin: germline. Affected: yes.
Comment: In silico analysis supports that this missense variant has a deleterious effect on protein structure/function; Has not been previously published as pathogenic or benign to our knowledge; This variant is associated with the following publications: (PMID: 33469851)

Ambry Genetics
Classification: Uncertain significance for Inborn genetic diseases. Last evaluated: 2018-04-19. Review status: criteria provided, single submitter. Criteria: Ambry Variant Classification Scheme 2023. Collection method: clinical testing. Allele origin: germline.
Comment: The p.R1148C variant (also known as c.3442C>T), located in coding exon 20 of the POLG gene, results from a C to T substitution at nucleotide position 3442. The arginine at codon 1148 is replaced by cysteine, an amino acid with highly dissimilar properties. This amino acid position is highly conserved in available vertebrate species. In addition, this alteration is predicted to be deleterious by in silico analysis. Since supporting evidence is limited at this time, the clinical significance of this alteration remains unclear.

Literature cited by the submitters: PubMed 33469851 (cited by Labcorp Genetics (formerly Invitae), Labcorp).

NM_002693.3(POLG):c.3442C>T (p.Arg1148Cys)

Gene: POLG (DNA polymerase gamma, catalytic subunit; minus strand). Cytogenetic location: 15q26.1.
Variant type: single nucleotide variant.
Coding change: c.3442C>T on transcript NM_002693.3 (MANE Select); coding-DNA position 3442, C replaced by T.
Protein change: p.Arg1148Cys; replaces arginine 1148 with cysteine.
Molecular consequence: missense variant.
Genome position (GRCh38, 1-based): chr15:89,318,581, G>A on the plus strand (C>T on the coding strand, the complement: POLG is on the minus strand). VCF-style: chr15-89318581-G-A. GRCh37 (hg19) VCF-style: chr15-89861812-G-A.
Other names: c.3442C>T, p.Arg1148Cys (NM_001126131.2); short protein forms R1148C.
Identifiers: ClinVar variation 458715 (VCV000458715.40), dbSNP rs149099318, ClinGen allele CA7724141.